The following is an entry in ClinVar:

ClinVar aggregate classification (germline): Uncertain significance (1 of 4 stars; one submission).

Submission:

Labcorp Genetics (formerly Invitae), Labcorp
Classification: Uncertain significance. Last evaluated: 2025-11-06. Review status: criteria provided, single submitter. Criteria: Invitae Variant Classification Sherloc (09022015). Collection method: clinical testing. Allele origin: germline.
Comment: This sequence change replaces asparagine, which is neutral and polar, with lysine, which is basic and polar, at codon 374 of the ASXL1 protein (p.Asn374Lys). This variant is not present in population databases (gnomAD no frequency). This variant has not been reported in the literature in individuals affected with ASXL1-related conditions. An algorithm developed to predict the effect of missense changes on protein structure and function outputs the following: PolyPhen-2: "Benign". The lysine amino acid residue is found in multiple mammalian species, which suggests that this missense change does not adversely affect protein function. In summary, the available evidence is currently insufficient to determine the role of this variant in disease. Therefore, it has been classified as a Variant of Uncertain Significance.

NM_015338.6(ASXL1):c.1122C>A (p.Asn374Lys)

Gene: ASXL1 (ASXL transcriptional regulator 1; plus strand). Cytogenetic location: 20q11.21.
Variant type: single nucleotide variant.
Coding change: c.1122C>A on transcript NM_015338.6 (MANE Select); coding-DNA position 1122, C replaced by A.
Protein change: p.Asn374Lys; replaces asparagine 374 with lysine.
Molecular consequence: missense variant.
Genome position (GRCh38, 1-based): chr20:32,433,320, C>A. VCF-style: chr20-32433320-C-A. GRCh37 (hg19) VCF-style: chr20-31021123-C-A.
Other names: c.939C>A, p.Asn313Lys (NM_001363734.1); short protein forms N313K, N374K.
Identifiers: ClinVar variation 4730177 (VCV004730177.1).